The following is an entry in ClinVar:

ClinVar aggregate classification (germline): Uncertain significance (1 of 4 stars; one submission).

gnomAD v4.1: 7 of 1,611,374 alleles (0.00043%); highest among the groups gnomAD compares: Admixed American, 0.012%; no homozygotes.

Submission:

Labcorp Genetics (formerly Invitae), Labcorp
Classification: Uncertain significance. Last evaluated: 2024-09-04. Review status: criteria provided, single submitter. Criteria: Invitae Variant Classification Sherloc (09022015). Collection method: clinical testing. Allele origin: germline.
Comment: This sequence change replaces asparagine, which is neutral and polar, with aspartic acid, which is acidic and polar, at codon 995 of the SUCO protein (p.Asn995Asp). This variant is present in population databases (rs776616485, gnomAD 0.02%). This variant has not been reported in the literature in individuals affected with SUCO-related conditions. An algorithm developed to predict the effect of missense changes on protein structure and function (PolyPhen-2) suggests that this variant is likely to be disruptive. In summary, the available evidence is currently insufficient to determine the role of this variant in disease. Therefore, it has been classified as a Variant of Uncertain Significance.

NM_014283.5(SUCO):c.2983A>G (p.Asn995Asp)

Gene: SUCO (SUN domain containing ossification factor; plus strand). Cytogenetic location: 1q24.3.
Variant type: single nucleotide variant.
Coding change: c.2983A>G on transcript NM_014283.5 (MANE Select); coding-DNA position 2983, A replaced by G.
Protein change: p.Asn995Asp; replaces asparagine 995 with aspartic acid.
Molecular consequence: missense variant.
Genome position (GRCh38, 1-based): chr1:172,600,133, A>G. VCF-style: chr1-172600133-A-G. GRCh37 (hg19) VCF-style: chr1-172569273-A-G.
Other names: c.1870A>G, p.Asn624Asp (NM_001282750.2); c.1294A>G, p.Asn432Asp (NM_001282751.2); c.3436A>G, p.Asn1146Asp (NM_016227.4); short protein forms N1146D, N995D, N432D, N624D.
Identifiers: ClinVar variation 3672034 (VCV003672034.2).